The following is an entry in ClinVar:

ClinVar aggregate classification (germline): Uncertain significance. Review status: criteria provided, multiple submitters, no conflicts (2 of 4 stars). 3 submissions from 3 submitters: Uncertain significance (3). Last evaluated 2024-03-17.

Conditions:
Hereditary diffuse gastric adenocarcinoma (HDGC). Also called: DIFFUSE GASTRIC AND LOBULAR BREAST CANCER SYNDROME. Identifiers: Orphanet 26106, MedGen C1708349, MONDO:0007648, OMIM 137215.
Hereditary cancer-predisposing syndrome. Also called: Hereditary neoplastic syndrome; Neoplastic Syndromes, Hereditary; Hereditary Cancer Syndrome; Tumor predisposition. Identifiers: Orphanet 140162, MedGen C0027672, MeSH D009386, MONDO:0015356.

gnomAD v4.1: 3 of 1,614,056 alleles (0.00019%); highest among the groups gnomAD compares: Admixed American, 0.0017%; no homozygotes.

Submissions (3):

Ambry Genetics
Classification: Uncertain significance for Hereditary cancer-predisposing syndrome. Last evaluated: 2024-03-17. Review status: criteria provided, single submitter. Criteria: Ambry Variant Classification Scheme 2023. Collection method: clinical testing. Allele origin: germline.
Comment: The p.G203S variant (also known as c.607G>A), located in coding exon 5 of the CDH1 gene, results from a G to A substitution at nucleotide position 607. The glycine at codon 203 is replaced by serine, an amino acid with similar properties. This amino acid position is well conserved in available vertebrate species. In addition, this alteration is predicted to be tolerated by in silico analysis. Since supporting evidence is limited at this time, the clinical significance of this alteration remains unclear.

Labcorp Genetics (formerly Invitae), Labcorp
Classification: Uncertain significance for Hereditary diffuse gastric adenocarcinoma. Last evaluated: 2023-08-30. Review status: criteria provided, single submitter. Criteria: Invitae Variant Classification Sherloc (09022015). Collection method: clinical testing. Allele origin: germline.
Comment: This sequence change replaces glycine, which is neutral and non-polar, with serine, which is neutral and polar, at codon 203 of the CDH1 protein (p.Gly203Ser). This variant is present in population databases (no rsID available, gnomAD 0.003%). This variant has not been reported in the literature in individuals affected with CDH1-related conditions. ClinVar contains an entry for this variant (Variation ID: 573835). An algorithm developed to predict the effect of missense changes on protein structure and function (PolyPhen-2) suggests that this variant is likely to be disruptive. In summary, the available evidence is currently insufficient to determine the role of this variant in disease. Therefore, it has been classified as a Variant of Uncertain Significance.

Color Diagnostics, LLC DBA Color Health
Classification: Uncertain significance for Hereditary cancer-predisposing syndrome. Last evaluated: 2022-05-10. Review status: criteria provided, single submitter. Criteria: ACMG Guidelines, 2015. Collection method: clinical testing. Allele origin: germline.
Comment: This missense variant replaces glycine with serine at codon 203 of the CDH1 protein. To our knowledge, functional studies have not been reported for this variant. This variant has not been reported in individuals affected with hereditary cancer in the literature. This variant has been identified in 1/251184 chromosomes in the general population by the Genome Aggregation Database (gnomAD). The available evidence is insufficient to determine the role of this variant in disease conclusively. Therefore, this variant is classified as a Variant of Uncertain Significance.

Literature cited by the submitters: PubMed 26486520 (cited by Ambry Genetics); PubMed 28522256 (cited by Ambry Genetics).

NM_004360.5(CDH1):c.607G>A (p.Gly203Ser)

Gene: CDH1 (cadherin 1; plus strand). Cytogenetic location: 16q22.1.
Variant type: single nucleotide variant.
Coding change: c.607G>A on transcript NM_004360.5 (MANE Select); coding-DNA position 607, G replaced by A.
Protein change: p.Gly203Ser; replaces glycine 203 with serine.
Molecular consequence: missense variant. On other transcripts: 5 prime UTR variant (2).
Genome position (GRCh38, 1-based): chr16:68,808,768, G>A. VCF-style: chr16-68808768-G-A. GRCh37 (hg19) VCF-style: chr16-68842671-G-A.
Other names: c.607G>A (LRG_301t1); c.607G>A, p.Gly203Ser (NM_001317184.2); c.-1009G>A (NM_001317185.2); c.-1213G>A (NM_001317186.2); short protein forms G203S.
Identifiers: ClinVar variation 573835 (VCV000573835.18), dbSNP rs1215319435, ClinGen allele CA396458001.